The following is an entry in ClinVar:

NM_000124.4(ERCC6):c.3070G>T (p.Gly1024Ter)

Gene: ERCC6 (ERCC excision repair 6, chromatin remodeling factor; minus strand). Cytogenetic location: 10q11.23.
Variant type: single nucleotide variant.
Coding change: c.3070G>T on transcript NM_000124.4 (MANE Select); coding-DNA position 3070, G replaced by T.
Protein change: p.Gly1024Ter; replaces glycine 1024 with a stop codon.
Molecular consequence: nonsense.
Genome position (GRCh38, 1-based): chr10:49,470,975, C>A on the plus strand (G>T on the coding strand, the complement: ERCC6 is on the minus strand). VCF-style: chr10-49470975-C-A. GRCh37 (hg19) VCF-style: chr10-50679021-C-A.
Other names: c.3070G>T, p.Gly1024Ter (NM_001346440.2); short protein forms G1024*.
Identifiers: ClinVar variation 983764 (VCV000983764.3), dbSNP rs1850769140, ClinGen allele CA376717272.

ClinVar aggregate classification (germline): Likely pathogenic (1 of 4 stars; one submission).

Conditions:
Cockayne syndrome type 2 (CSB). Also called: Cockayne Syndrome, Type II; COCKAYNE SYNDROME B. Identifiers: Orphanet 191, Orphanet 90322, MedGen C0751038, MONDO:0019570, OMIM 133540.

Submission:

Myriad Genetics, Inc.
Classification: Likely pathogenic for Cockayne syndrome type 2. Last evaluated: 2019-12-23. Review status: criteria provided, single submitter. Criteria: Myriad Women's Health Autosomal Recessive and X-Linked Classification Criteria (2019). Collection method: clinical testing. Allele origin: unknown.
Comment: NM_000124.2(ERCC6):c.3070G>T(G1024*) is expected to be pathogenic in the context of ERCC6-related disorders. This variant is predicted to lead to an abnormal or absent protein product due to the creation of a premature termination codon in ERCC6, a gene where loss-of-function variants are known to be pathogenic. Please note: this variant was assessed in the context of healthy population screening.